The following is an entry in ClinVar:

ClinVar aggregate classification (germline): Likely benign (1 of 4 stars; one submission).

Conditions:
Malignant hyperthermia, susceptibility to, 1 (MHS1). Also called: Anesthesia related hyperthermia; Malignant hyperpyrexia; Fulminating hyperpyrexia; Pharmacogenic myopathy; Malignant hyperthermia suceptibility 1; RYR1-Related Malignant Hyperthermia Susceptibility. Identifiers: Orphanet 423, MedGen C2930980, MONDO:0007783, OMIM 145600.

Submission:

All of Us Research Program, National Institutes of Health
Classification: Likely benign for Malignant hyperthermia, susceptibility to, 1. Last evaluated: 2024-05-14. Review status: criteria provided, single submitter. Criteria: ACMG Guidelines, 2015. Collection method: clinical testing. Allele origin: germline. Inheritance: Autosomal dominant inheritance. Observed: 1 variant allele, 1 heterozygote.
Comment: This study involves interpretation of variants in research participants for the purpose of population health screening. Participant phenotype was not available at the time of variant classification. Additional details can be found in publication PMID: 35346344, PMCID: PMC8962531

NM_000540.3(RYR1):c.12576C>T (p.Ile4192=)

Gene: RYR1 (ryanodine receptor 1; plus strand). Cytogenetic location: 19q13.2.
Variant type: single nucleotide variant.
Coding change: c.12576C>T on transcript NM_000540.3 (MANE Select); coding-DNA position 12576, C replaced by T.
Protein change: p.Ile4192=; no amino-acid change (isoleucine 4192 retained).
Molecular consequence: synonymous variant.
Genome position (GRCh38, 1-based): chr19:38,561,406, C>T. VCF-style: chr19-38561406-C-T. GRCh37 (hg19) VCF-style: chr19-39052046-C-T.
Other names: c.12561C>T, p.Ile4187= (NM_001042723.2).
Identifiers: ClinVar variation 3385586 (VCV003385586.1).